The following is an entry in ClinVar:

NM_020458.4(TTC7A):c.1070C>G (p.Thr357Ser)

Gene: TTC7A (tetratricopeptide repeat domain 7A; plus strand). Cytogenetic location: 2p21.
Variant type: single nucleotide variant.
Coding change: c.1070C>G on transcript NM_020458.4 (MANE Select); coding-DNA position 1070, C replaced by G.
Protein change: p.Thr357Ser; replaces threonine 357 with serine.
Molecular consequence: missense variant.
Genome position (GRCh38, 1-based): chr2:47,005,926, C>G. VCF-style: chr2-47005926-C-G. GRCh37 (hg19) VCF-style: chr2-47233065-C-G.
Other names: c.1070C>G (NM_020458.2); c.1070C>G, p.Thr357Ser (NM_001288951.2); c.968C>G, p.Thr323Ser (NM_001288953.2); c.8C>G, p.Thr3Ser (NM_001288955.2); short protein forms T357S, T3S, T323S.
Identifiers: ClinVar variation 734547 (VCV000734547.13), dbSNP rs200443615, ClinGen allele CA1647487.

ClinVar aggregate classification (germline): Conflicting classifications of pathogenicity. Review status: criteria provided, conflicting classifications (1 of 4 stars). 3 submissions from 3 submitters: Uncertain significance (2); Likely benign (1). Last evaluated 2026-01-27.

Conditions:
Inborn genetic diseases. Identifiers: MedGen C0950123, MeSH D030342.
Multiple gastrointestinal atresias. Also called: FAMILIAL INTESTINAL POLYATRESIA SYNDROME; Multiple intestinal atresia. Identifiers: Orphanet 2300, MedGen C0220744, MONDO:0009465.

Allele frequency attached by ClinVar (database versions not stated): TOPMed 0.00020; 1000 Genomes Project 30x 0.00031; ExAC 0.00032; gnomAD exomes 0.00035 and 0.00006; 1000 Genomes Project 0.00040; gnomAD 0.00011 and 0.00013.
gnomAD v4.1: 126 of 1,614,172 alleles (0.0078%); highest among the groups gnomAD compares: East Asian, 0.22%; no homozygotes.

Submissions (3):

Labcorp Genetics (formerly Invitae), Labcorp
Classification: Likely benign for Multiple gastrointestinal atresias. Last evaluated: 2026-01-27. Review status: criteria provided, single submitter. Criteria: Invitae Variant Classification Sherloc (09022015). Collection method: clinical testing. Allele origin: germline.

Ambry Genetics
Classification: Uncertain significance for Inborn genetic diseases. Last evaluated: 2024-09-08. Review status: criteria provided, single submitter. Criteria: Ambry Variant Classification Scheme 2023. Collection method: clinical testing. Allele origin: germline.

GeneDx
Classification: Uncertain significance. Last evaluated: 2019-04-26. Review status: criteria provided, single submitter. Criteria: GeneDx Variant Classification Process June 2021. Collection method: clinical testing. Allele origin: germline. Affected: yes.
Comment: Has not been previously published as pathogenic or benign to our knowledge; In silico analysis, which includes protein predictors and evolutionary conservation, supports that this variant does not alter protein structure/function